The following is an entry in ClinVar:

NM_001379286.1(ZNF423):c.127G>A (p.Asp43Asn)

Gene: ZNF423 (zinc finger protein 423; minus strand). Cytogenetic location: 16q12.1.
Variant type: single nucleotide variant.
Coding change: c.127G>A on transcript NM_001379286.1 (MANE Select); coding-DNA position 127, G replaced by A.
Protein change: p.Asp43Asn; replaces aspartic acid 43 with asparagine.
Molecular consequence: missense variant. On other transcripts: 5 prime UTR variant (1).
Genome position (GRCh38, 1-based): chr16:49,730,945, C>T on the plus strand (G>A on the coding strand, the complement: ZNF423 is on the minus strand). VCF-style: chr16-49730945-C-T. GRCh37 (hg19) VCF-style: chr16-49764856-C-T.
Other names: c.-78G>A (NM_001271620.2); c.103G>A, p.Asp35Asn (NM_015069.5); short protein forms D43N, D35N.
Identifiers: ClinVar variation 1371102 (VCV001371102.7), dbSNP rs200725224, ClinGen allele CA8046954.

ClinVar aggregate classification (germline): Uncertain significance. Review status: criteria provided, multiple submitters, no conflicts (2 of 4 stars). 2 submissions from 2 submitters: Uncertain significance (2). Last evaluated 2024-10-22.

Conditions:
Nephronophthisis 14 (NPHP14). Identifiers: Orphanet 2318, MedGen C3539071, MONDO:0013916, OMIM 614844.

Allele frequency attached by ClinVar (database versions not stated): ExAC 0.00001; gnomAD exomes 0.00001; 1000 Genomes Project 30x 0.00016; 1000 Genomes Project 0.00020.

Submissions (2):

Labcorp Genetics (formerly Invitae), Labcorp
Classification: Uncertain significance for Nephronophthisis 14. Last evaluated: 2024-10-22. Review status: criteria provided, single submitter. Criteria: Invitae Variant Classification Sherloc (09022015). Collection method: clinical testing. Allele origin: germline.
Comment: This sequence change replaces aspartic acid, which is acidic and polar, with asparagine, which is neutral and polar, at codon 35 of the ZNF423 protein (p.Asp35Asn). This variant is present in population databases (rs200725224, gnomAD 0.01%). This variant has not been reported in the literature in individuals affected with ZNF423-related conditions. ClinVar contains an entry for this variant (Variation ID: 1371102). An algorithm developed to predict the effect of missense changes on protein structure and function (PolyPhen-2) suggests that this variant is likely to be tolerated. In summary, the available evidence is currently insufficient to determine the role of this variant in disease. Therefore, it has been classified as a Variant of Uncertain Significance.

Blueprint Genetics
Classification: Uncertain significance. Last evaluated: 2017-08-22. Review status: criteria provided, single submitter. Criteria: ACMG Guidelines, 2015. Collection method: clinical testing. Allele origin: germline.